The following is an entry in ClinVar:

NM_000051.4(ATM):c.5178T>G (p.Cys1726Trp)

Gene: ATM (ATM serine/threonine kinase; plus strand). Cytogenetic location: 11q22.3.
Variant type: single nucleotide variant.
Coding change: c.5178T>G on transcript NM_000051.4 (MANE Select); coding-DNA position 5178, T replaced by G.
Protein change: p.Cys1726Trp; replaces cysteine 1726 with tryptophan.
Molecular consequence: missense variant.
Genome position (GRCh38, 1-based): chr11:108,301,648, T>G. VCF-style: chr11-108301648-T-G. GRCh37 (hg19) VCF-style: chr11-108172375-T-G.
Other names: c.5178T>G, p.Cys1726Trp (NM_001351834.2); short protein forms C1726W.
Identifiers: ClinVar variation 861932 (VCV000861932.18), dbSNP rs1446243372, ClinGen allele CA382542082.

ClinVar aggregate classification (germline): Uncertain significance. Review status: criteria provided, multiple submitters, no conflicts (2 of 4 stars). 4 submissions from 4 submitters: Uncertain significance (3). 1 of the submissions does not count toward it. Last evaluated 2024-10-17.

Conditions:
Hereditary cancer-predisposing syndrome. Also called: Tumor predisposition; Hereditary Cancer Syndrome; Neoplastic Syndromes, Hereditary; Hereditary neoplastic syndrome. Identifiers: Orphanet 140162, MedGen C0027672, MeSH D009386, MONDO:0015356.
Ataxia-telangiectasia syndrome (AT). Also called: LOUIS-BAR SYNDROME; Ataxia telangiectasia (A-T); Ataxia-telangiectasia, complementation group D; Cerebello-oculocutaneous telangiectasia; Immunodeficiency with ataxia telangiectasia; Ataxia-telangiectasia. Identifiers: Orphanet 100, MedGen C0004135, MONDO:0008840, OMIM 208900.

Allele frequency attached by ClinVar (database versions not stated): TOPMed below 0.00001; gnomAD 0.00001.
gnomAD v4.1: 1 of 1,613,488 alleles (0.000062%); highest among the groups gnomAD compares: Admixed American, 0.0017%; no homozygotes.

Submissions (4):

Labcorp Genetics (formerly Invitae), Labcorp
Classification: Uncertain significance for Ataxia-telangiectasia syndrome. Last evaluated: 2024-10-17. Review status: criteria provided, single submitter. Criteria: Invitae Variant Classification Sherloc (09022015). Collection method: clinical testing. Allele origin: germline.
Comment: This sequence change replaces cysteine, which is neutral and slightly polar, with tryptophan, which is neutral and slightly polar, at codon 1726 of the ATM protein (p.Cys1726Trp). This variant is not present in population databases (gnomAD no frequency). This variant has not been reported in the literature in individuals affected with ATM-related conditions. ClinVar contains an entry for this variant (Variation ID: 861932). An algorithm developed to predict the effect of missense changes on protein structure and function (PolyPhen-2) suggests that this variant is likely to be tolerated. In summary, the available evidence is currently insufficient to determine the role of this variant in disease. Therefore, it has been classified as a Variant of Uncertain Significance.

Ambry Genetics
Classification: Uncertain significance for Hereditary cancer-predisposing syndrome. Last evaluated: 2023-06-24. Review status: criteria provided, single submitter. Criteria: Ambry Variant Classification Scheme 2023. Collection method: clinical testing. Allele origin: germline.
Comment: The p.C1726W variant (also known as c.5178T>G) is located in coding exon 34 of the ATM gene. The cysteine at codon 1726 is replaced by tryptophan, an amino acid with highly dissimilar properties. This change occurs in the first base pair of coding exon 34. This amino acid position is not well conserved in available vertebrate species. In addition, this alteration is predicted to be tolerated by in silico analysis. Since supporting evidence is limited at this time, the clinical significance of this alteration remains unclear.

GeneDx
Classification: Uncertain significance. Last evaluated: 2019-06-14. Review status: criteria provided, single submitter. Criteria: GeneDx Variant Classification Process June 2021. Collection method: clinical testing. Allele origin: germline. Affected: yes.
Comment: Not observed in large population cohorts (Lek et al., 2016); Has not been previously published as pathogenic or benign to our knowledge

Natera, Inc.
Classification: Uncertain significance for Ataxia-telangiectasia. Last evaluated: 2020-11-06. Review status: no assertion criteria provided. Collection method: clinical testing. Allele origin: germline. Not counted in ClinVar's aggregate classification.